The following is an entry in ClinVar:

NM_021830.5(TWNK):c.1272C>G (p.Phe424Leu)

Gene: TWNK (twinkle mtDNA helicase; plus strand). Cytogenetic location: 10q24.31.
Variant type: single nucleotide variant.
Coding change: c.1272C>G on transcript NM_021830.5 (MANE Select); coding-DNA position 1272, C replaced by G.
Protein change: p.Phe424Leu; replaces phenylalanine 424 with leucine.
Molecular consequence: missense variant. On other transcripts: 5 prime UTR variant (2), non-coding transcript variant (2), intron variant (1).
Genome position (GRCh38, 1-based): chr10:100,989,672, C>G. VCF-style: chr10-100989672-C-G. GRCh37 (hg19) VCF-style: chr10-102749429-C-G.
Other names: c.1272C>G, p.Phe424Leu (NM_001163812.2); c.-91C>G (NM_001163813.2, NM_001163814.2); c.-57-34C>G (NM_001368275.1); short protein forms F424L.
Identifiers: ClinVar variation 694433 (VCV000694433.4), dbSNP rs773918715, ClinGen allele CA378210346.
Genomic context (GRCh38, chr10:100,989,672, plus strand): 5'-TCCTCACCCAGGTCTGTTCCACCCCACTGCAGGGCCAACAGGCAGTGGAAAGACGACATT[C>G]ATCAGTGAGTATGCCCTGGATTTGTGTTCCCAGGGGGTGAACACACTGTGGGGTAGCTTC-3'
Protein context (NP_068602.2, residues 414-434): TGPTGSGKTT[Phe424Leu]ISEYALDLCS

ClinVar aggregate classification (germline): Conflicting classifications of pathogenicity. Review status: criteria provided, conflicting classifications (1 of 4 stars). 2 submissions from 2 submitters: Likely pathogenic (1); Uncertain significance (1). Last evaluated 2023-11-07.

Conditions:
mitochondrial hepatopathy. Identifiers: MedGen C1328348.

Submissions (2):

Labcorp Genetics (formerly Invitae), Labcorp
Classification: Uncertain significance. Last evaluated: 2023-11-07. Review status: criteria provided, single submitter. Criteria: Invitae Variant Classification Sherloc (09022015). Collection method: clinical testing. Allele origin: germline.
Comment: This sequence change replaces phenylalanine, which is neutral and non-polar, with leucine, which is neutral and non-polar, at codon 424 of the TWNK protein (p.Phe424Leu). This variant is not present in population databases (gnomAD no frequency). This missense change has been observed in individual(s) with autosomal recessive mitochondrial DNA depletion syndrome-7 (PMID: 33486010). ClinVar contains an entry for this variant (Variation ID: 694433). Advanced modeling of protein sequence and biophysical properties (such as structural, functional, and spatial information, amino acid conservation, physicochemical variation, residue mobility, and thermodynamic stability) has been performed at Invitae for this missense variant, however the output from this modeling did not meet the statistical confidence thresholds required to predict the impact of this variant on TWNK protein function. In summary, the available evidence is currently insufficient to determine the role of this variant in disease. Therefore, it has been classified as a Variant of Uncertain Significance.

Laboratory of Inherited Metabolic Diseases, Research centre for medical genetics
Classification: Likely pathogenic for Mitochondrial hepatopathy. Last evaluated: 2019-07-17. Review status: criteria provided, single submitter. Criteria: ACMG Guidelines, 2015. Collection method: clinical testing. Allele origin: germline. Inheritance: Autosomal recessive inheritance. Affected: yes.
Comment: found in homozygous c.1272C>G (p.F424L)

Literature cited by the submitters: PubMed 33486010 (cited by Labcorp Genetics (formerly Invitae), Labcorp).